The following is an entry in ClinVar:

NM_144691.4(CAPN12):c.1605C>T (p.Ser535=)

Gene: CAPN12 (calpain 12; minus strand). Cytogenetic location: 19q13.2.
Variant type: single nucleotide variant.
Coding change: c.1605C>T on transcript NM_144691.4 (MANE Select); coding-DNA position 1605, C replaced by T.
Protein change: p.Ser535=; no amino-acid change (serine 535 retained).
Molecular consequence: synonymous variant.
Genome position (GRCh38, 1-based): chr19:38,735,523, G>A on the plus strand (C>T on the coding strand, the complement: CAPN12 is on the minus strand). VCF-style: chr19-38735523-G-A. GRCh37 (hg19) VCF-style: chr19-39226163-G-A.
Identifiers: ClinVar variation 732597 (VCV000732597.6), dbSNP rs141009431, ClinGen allele CA9418635.

ClinVar aggregate classification (germline): Benign. Review status: criteria provided, multiple submitters, no conflicts (2 of 4 stars). 3 submissions from 3 submitters: Benign (2). 1 of the submissions does not count toward it. Last evaluated 2018-07-16.

Conditions:
CAPN12-related disorder. Also called: CAPN12-related condition.

Allele frequency attached by ClinVar (database versions not stated): gnomAD exomes 0.00037; ExAC 0.00051; gnomAD 0.00143 and 0.00152; TOPMed 0.00189; ESP Exome Variant Server 0.00208; 1000 Genomes Project 0.00220; 1000 Genomes Project 30x 0.00312.
gnomAD v4.1: 469 of 1,610,902 alleles (0.029%); highest among the groups gnomAD compares: African/African-American, 0.54%; 1 homozygote.

Submissions (3):

Labcorp Genetics (formerly Invitae), Labcorp
Classification: Benign. Last evaluated: 2018-07-16. Review status: criteria provided, single submitter. Criteria: Invitae Variant Classification Sherloc (09022015). Collection method: clinical testing. Allele origin: germline.

Breakthrough Genomics
Classification: Benign. Review status: criteria provided, single submitter. Criteria: ACMG Guidelines, 2015. Collection method: not provided. Allele origin: germline. Inheritance: Unknown mechanism. Affected: yes.

PreventionGenetics, part of Exact Sciences
Classification: Likely benign for CAPN12-related condition. Last evaluated: 2019-06-14. Review status: no assertion criteria provided. Collection method: clinical testing. Allele origin: germline. Not counted in ClinVar's aggregate classification.
Comment: This variant is classified as likely benign based on ACMG/AMP sequence variant interpretation guidelines (Richards et al. 2015 PMID: 25741868, with internal and published modifications).